The following is an entry in ClinVar:

ClinVar aggregate classification (germline): Uncertain significance (1 of 4 stars; one submission).

Conditions:
KBG syndrome (KBGS). Also called: ANKRD11-Related KBG Syndrome. Identifiers: Orphanet 2332, MedGen C0220687, MONDO:0007846, OMIM 148050.

Allele frequency attached by ClinVar (database versions not stated): gnomAD exomes below 0.00001.
gnomAD v4.1: 1 of 1,613,942 alleles (0.000062%); highest among the groups gnomAD compares: Non-Finnish European, 0.000085%; no homozygotes.

Submission:

Labcorp Genetics (formerly Invitae), Labcorp
Classification: Uncertain significance for KBG syndrome. Last evaluated: 2022-04-03. Review status: criteria provided, single submitter. Criteria: Invitae Variant Classification Sherloc (09022015). Collection method: clinical testing. Allele origin: germline.
Comment: In summary, the available evidence is currently insufficient to determine the role of this variant in disease. Therefore, it has been classified as a Variant of Uncertain Significance. Algorithms developed to predict the effect of missense changes on protein structure and function are either unavailable or do not agree on the potential impact of this missense change (SIFT: "Deleterious"; PolyPhen-2: "Probably Damaging"; Align-GVGD: "Class C0"). This variant has not been reported in the literature in individuals affected with ANKRD11-related conditions. This variant is not present in population databases (gnomAD no frequency). This sequence change replaces aspartic acid, which is acidic and polar, with valine, which is neutral and non-polar, at codon 30 of the ANKRD11 protein (p.Asp30Val).

NM_013275.6(ANKRD11):c.89A>T (p.Asp30Val)

Gene: ANKRD11 (ankyrin repeat domain 11; minus strand). Cytogenetic location: 16q24.3.
Variant type: single nucleotide variant.
Coding change: c.89A>T on transcript NM_013275.6 (MANE Select); coding-DNA position 89, A replaced by T.
Protein change: p.Asp30Val; replaces aspartic acid 30 with valine.
Molecular consequence: missense variant. On other transcripts: non-coding transcript variant (1).
Genome position (GRCh38, 1-based): chr16:89,305,343, T>A on the plus strand (A>T on the coding strand, the complement: ANKRD11 is on the minus strand). VCF-style: chr16-89305343-T-A. GRCh37 (hg19) VCF-style: chr16-89371751-T-A.
Other names: c.89A>T, p.Asp30Val (NM_001256182.2, NM_001256183.2); short protein forms D30V.
Identifiers: ClinVar variation 2121135 (VCV002121135.4), dbSNP rs2544464149, ClinGen allele CA397164420.